The following is an entry in ClinVar:

NM_000070.3(CAPN3):c.2282A>C (p.Gln761Pro)

Gene: CAPN3 (calpain 3; plus strand). Cytogenetic location: 15q15.1.
Variant type: single nucleotide variant.
Coding change: c.2282A>C on transcript NM_000070.3 (MANE Select); coding-DNA position 2282, A replaced by C.
Protein change: p.Gln761Pro; replaces glutamine 761 with proline.
Molecular consequence: missense variant.
Genome position (GRCh38, 1-based): chr15:42,410,902, A>C. VCF-style: chr15-42410902-A-C. GRCh37 (hg19) VCF-style: chr15-42703100-A-C.
Other names: c.2264A>C, p.Gln755Pro (NM_024344.2); c.2006A>C, p.Gln669Pro (NM_173087.2); c.746A>C, p.Gln249Pro (NM_173088.2); c.287A>C, p.Gln96Pro (NM_173089.2, NM_173090.2); short protein forms Q761P, Q669P, Q755P, Q249P, Q96P.
Identifiers: ClinVar variation 499249 (VCV000499249.8), dbSNP rs373995517, ClinGen allele CA7511818.

ClinVar aggregate classification (germline): Uncertain significance. Review status: criteria provided, multiple submitters, no conflicts (2 of 4 stars). 2 submissions from 2 submitters: Uncertain significance (2). Last evaluated 2024-10-17.

Conditions:
Autosomal recessive limb-girdle muscular dystrophy type 2A (LGMDR1). Also called: LEYDEN-MOEBIUS MUSCULAR DYSTROPHY; MUSCULAR DYSTROPHY, PELVOFEMORAL; Limb-girdle muscular dystrophy, type 2A; Calpainopathy; Muscular dystrophy, limb-girdle, type 2A, Amish. Identifiers: Orphanet 267, MedGen C1869123, MONDO:0009675, OMIM 253600. Disease mechanism: loss of function.

Allele frequency attached by ClinVar (database versions not stated): gnomAD exomes below 0.00001 and 0.00001; ExAC 0.00001; gnomAD 0.00001; TOPMed 0.00003; ESP Exome Variant Server 0.00008.
gnomAD v4.1: 8 of 1,613,984 alleles (0.0005%); highest among the groups gnomAD compares: Non-Finnish European, 0.00068%; no homozygotes.

Submissions (2):

Labcorp Genetics (formerly Invitae), Labcorp
Classification: Uncertain significance for Autosomal recessive limb-girdle muscular dystrophy type 2A. Last evaluated: 2024-10-17. Review status: criteria provided, single submitter. Criteria: Invitae Variant Classification Sherloc (09022015). Collection method: clinical testing. Allele origin: germline.
Comment: This sequence change replaces glutamine, which is neutral and polar, with proline, which is neutral and non-polar, at codon 761 of the CAPN3 protein (p.Gln761Pro). This variant is present in population databases (rs373995517, gnomAD 0.002%). This variant has not been reported in the literature in individuals affected with CAPN3-related conditions. ClinVar contains an entry for this variant (Variation ID: 499249). Invitae Evidence Modeling of protein sequence and biophysical properties (such as structural, functional, and spatial information, amino acid conservation, physicochemical variation, residue mobility, and thermodynamic stability) indicates that this missense variant is not expected to disrupt CAPN3 protein function with a negative predictive value of 80%. In summary, the available evidence is currently insufficient to determine the role of this variant in disease. Therefore, it has been classified as a Variant of Uncertain Significance.

Eurofins Ntd Llc (ga)
Classification: Uncertain significance. Last evaluated: 2017-01-03. Review status: criteria provided, single submitter. Criteria: EGL Classification Definitions 2015. Collection method: clinical testing. Allele origin: germline. Observed: 1 variant allele, 1 heterozygote.